The following is an entry in ClinVar:

ClinVar aggregate classification (germline): Uncertain significance (1 of 4 stars; one submission).

Allele frequency attached by ClinVar (database versions not stated): gnomAD exomes below 0.00001.
gnomAD v4.1: 1 of 1,613,112 alleles (0.000062%); highest among the groups gnomAD compares: Admixed American, 0.0017%; no homozygotes.

Submission:

Labcorp Genetics (formerly Invitae), Labcorp
Classification: Uncertain significance. Last evaluated: 2022-03-14. Review status: criteria provided, single submitter. Criteria: Invitae Variant Classification Sherloc (09022015). Collection method: clinical testing. Allele origin: germline.
Comment: In summary, the available evidence is currently insufficient to determine the role of this variant in disease. Therefore, it has been classified as a Variant of Uncertain Significance. Algorithms developed to predict the effect of missense changes on protein structure and function are either unavailable or do not agree on the potential impact of this missense change (SIFT: "Deleterious"; PolyPhen-2: "Probably Damaging"; Align-GVGD: "Class C0"). This variant has not been reported in the literature in individuals affected with PDE6B-related conditions. This variant is present in population databases (no rsID available, gnomAD 0.003%). This sequence change replaces glutamine, which is neutral and polar, with arginine, which is basic and polar, at codon 67 of the PDE6B protein (p.Gln67Arg).

NM_000283.4(PDE6B):c.200A>G (p.Gln67Arg)

Gene: PDE6B (phosphodiesterase 6B; plus strand). Cytogenetic location: 4p16.3.
Variant type: single nucleotide variant.
Coding change: c.200A>G on transcript NM_000283.4 (MANE Select); coding-DNA position 200, A replaced by G.
Protein change: p.Gln67Arg; replaces glutamine 67 with arginine.
Molecular consequence: missense variant.
Genome position (GRCh38, 1-based): chr4:625,826, A>G. VCF-style: chr4-625826-A-G. GRCh37 (hg19) VCF-style: chr4-619615-A-G.
Other names: c.200A>G, p.Gln67Arg (NM_001145291.2); short protein forms Q67R.
Identifiers: ClinVar variation 2111871 (VCV002111871.4), dbSNP rs1218102158, ClinGen allele CA355906388.